The following is an entry in ClinVar:

ClinVar aggregate classification (germline): Uncertain significance (1 of 4 stars; one submission).

Conditions:
Combined immunodeficiency due to LRBA deficiency. Also called: Common variable immunodeficiency 8, with autoimmunity. Identifiers: Orphanet 445018, MedGen C3553512, MONDO:0013863, OMIM 614700.

Submission:

Labcorp Genetics (formerly Invitae), Labcorp
Classification: Uncertain significance for Combined immunodeficiency due to LRBA deficiency. Last evaluated: 2020-02-13. Review status: criteria provided, single submitter. Criteria: Invitae Variant Classification Sherloc (09022015). Collection method: clinical testing. Allele origin: germline.
Comment: This sequence change replaces glutamine with histidine at codon 1906 of the LRBA protein (p.Gln1906His). The glutamine residue is weakly conserved and there is a small physicochemical difference between glutamine and histidine. This variant is not present in population databases (ExAC no frequency). This variant has not been reported in the literature in individuals with LRBA-related conditions. Algorithms developed to predict the effect of missense changes on protein structure and function are either unavailable or do not agree on the potential impact of this missense change (SIFT: "Tolerated"; PolyPhen-2: "Probably Damaging"; Align-GVGD: "Class C0"). In summary, the available evidence is currently insufficient to determine the role of this variant in disease. Therefore, it has been classified as a Variant of Uncertain Significance.

NM_001364905.1(LRBA):c.5718G>C (p.Gln1906His)

Gene: LRBA (LPS responsive beige-like anchor protein; minus strand). Cytogenetic location: 4q31.3.
Variant type: single nucleotide variant.
Coding change: c.5718G>C on transcript NM_001364905.1 (MANE Select); coding-DNA position 5718, G replaced by C.
Protein change: p.Gln1906His; replaces glutamine 1906 with histidine.
Molecular consequence: missense variant.
Genome position (GRCh38, 1-based): chr4:150,735,294, C>G on the plus strand (G>C on the coding strand, the complement: LRBA is on the minus strand). VCF-style: chr4-150735294-C-G. GRCh37 (hg19) VCF-style: chr4-151656446-C-G.
Other names: c.5718G>C, p.Gln1906His (NM_001199282.3, NM_001367550.1, NM_006726.5); short protein forms Q1906H.
Identifiers: ClinVar variation 1039564 (VCV001039564.9), dbSNP rs1731041610, ClinGen allele CA358607682.